The following is an entry in ClinVar:

ClinVar aggregate classification (germline): Benign/Likely benign. Review status: criteria provided, multiple submitters, no conflicts (2 of 4 stars). 5 submissions from 5 submitters: Benign (1); Likely benign (4). Last evaluated 2025-01-14.

Conditions:
Familial cancer of breast. Also called: hereditary breast carcinoma; Hereditary breast cancer; BREAST CANCER, FAMILIAL. Identifiers: Orphanet 227535, MedGen C0346153, MONDO:0016419, OMIM 114480. Disease mechanism: loss of function.
Hereditary cancer-predisposing syndrome. Also called: Neoplastic Syndromes, Hereditary; Hereditary neoplastic syndrome; Tumor predisposition; Hereditary Cancer Syndrome. Identifiers: Orphanet 140162, MedGen C0027672, MeSH D009386, MONDO:0015356.

Allele frequency attached by ClinVar (database versions not stated): TOPMed below 0.00001.

Submissions (5):

Myriad Genetics, Inc.
Classification: Benign for Familial cancer of breast. Last evaluated: 2025-01-14. Review status: criteria provided, single submitter. Criteria: Myriad Autosomal Dominant, Autosomal Recessive and X-Linked Classification Criteria (2023). Collection method: clinical testing. Allele origin: unknown.
Comment: This variant is considered benign. This variant is a silent/synonymous amino acid change and it is not expected to impact splicing.

Labcorp Genetics (formerly Invitae), Labcorp
Classification: Likely benign for Familial cancer of breast. Last evaluated: 2023-08-07. Review status: criteria provided, single submitter. Criteria: Invitae Variant Classification Sherloc (09022015). Collection method: clinical testing. Allele origin: germline.

Color Diagnostics, LLC DBA Color Health
Classification: Likely benign for Hereditary cancer-predisposing syndrome. Last evaluated: 2022-09-06. Review status: criteria provided, single submitter. Criteria: ACMG Guidelines, 2015. Collection method: clinical testing. Allele origin: germline.

Women's Health and Genetics/Laboratory Corporation of America, LabCorp
Classification: Likely benign. Last evaluated: 2022-04-01. Review status: criteria provided, single submitter. Criteria: LabCorp Variant Classification Summary - May 2015. Collection method: clinical testing. Allele origin: germline.

Ambry Genetics
Classification: Likely benign for Hereditary cancer-predisposing syndrome. Last evaluated: 2022-01-10. Review status: criteria provided, single submitter. Criteria: Ambry Variant Classification Scheme 2023. Collection method: clinical testing. Allele origin: germline.

NM_024675.4(PALB2):c.1815T>C (p.Ser605=)

Gene: PALB2 (partner and localizer of BRCA2; minus strand). Cytogenetic location: 16p12.2.
Variant type: single nucleotide variant.
Coding change: c.1815T>C on transcript NM_024675.4 (MANE Select); coding-DNA position 1815, T replaced by C.
Protein change: p.Ser605=; no amino-acid change (serine 605 retained).
Molecular consequence: synonymous variant.
Genome position (GRCh38, 1-based): chr16:23,630,339, A>G on the plus strand (T>C on the coding strand, the complement: PALB2 is on the minus strand). VCF-style: chr16-23630339-A-G. GRCh37 (hg19) VCF-style: chr16-23641660-A-G.
Identifiers: ClinVar variation 794755 (VCV000794755.16), dbSNP rs1597091095, ClinGen allele CA494461350.